The following is an entry in ClinVar:

NM_006950.3(SYN1):c.310G>A (p.Gly104Arg)

Gene: SYN1 (synapsin I; minus strand). Cytogenetic location: Xp11.23.
Variant type: single nucleotide variant.
Coding change: c.310G>A on transcript NM_006950.3 (MANE Select); coding-DNA position 310, G replaced by A.
Protein change: p.Gly104Arg; replaces glycine 104 with arginine.
Molecular consequence: missense variant.
Genome position (GRCh38, 1-based): chrX:47,619,419, C>T on the plus strand (G>A on the coding strand, the complement: SYN1 is on the minus strand). VCF-style: chrX-47619419-C-T. GRCh37 (hg19) VCF-style: chrX-47478818-C-T.
Other names: c.310G>A, p.Gly104Arg (NM_133499.2); short protein forms G104R.
Identifiers: ClinVar variation 951750 (VCV000951750.10), dbSNP rs2057941013, ClinGen allele CA412831689.

ClinVar aggregate classification (germline): Uncertain significance (1 of 4 stars; one submission).

Conditions:
Epilepsy, X-linked 1, with variable learning disabilities and behavior disorders. Also called: X-linked epilepsy-learning disabilities-behavior disorders syndrome. Identifiers: Orphanet 85294, MedGen C5774177, MONDO:0010339, OMIM 300491.

Submission:

Labcorp Genetics (formerly Invitae), Labcorp
Classification: Uncertain significance for Epilepsy, X-linked 1, with variable learning disabilities and behavior disorders. Last evaluated: 2019-06-29. Review status: criteria provided, single submitter. Criteria: Invitae Variant Classification Sherloc (09022015). Collection method: clinical testing. Allele origin: germline.
Comment: In summary, the available evidence is currently insufficient to determine the role of this variant in disease. Therefore, it has been classified as a Variant of Uncertain Significance. Algorithms developed to predict the effect of sequence changes on RNA splicing suggest that this variant may create or strengthen a splice site, but this prediction has not been confirmed by published transcriptional studies. Algorithms developed to predict the effect of missense changes on protein structure and function are either unavailable or do not agree on the potential impact of this missense change (SIFT: "Deleterious"; PolyPhen-2: "Possibly Damaging"; Align-GVGD: "Class C0"). This variant has not been reported in the literature in individuals with SYN1-related conditions. This variant is not present in population databases (ExAC no frequency). This sequence change replaces glycine with arginine at codon 104 of the SYN1 protein (p.Gly104Arg). The glycine residue is moderately conserved and there is a moderate physicochemical difference between glycine and arginine.